The following is an entry in ClinVar:

ClinVar aggregate classification (germline): Likely benign (0 of 4 stars; one submission).

Conditions:
ARFGEF3-related disorder. Also called: ARFGEF3-related condition.

Allele frequency attached by ClinVar (database versions not stated): TOPMed 0.00003; ExAC 0.00004; gnomAD 0.00005; gnomAD exomes 0.00006.
gnomAD v4.1: 103 of 1,587,100 alleles (0.0065%); highest among the groups gnomAD compares: Middle Eastern, 1.1%; 2 homozygotes.

Submission:

PreventionGenetics, part of Exact Sciences
Classification: Likely benign for ARFGEF3-related condition. Last evaluated: 2019-03-01. Review status: no assertion criteria provided. Collection method: clinical testing. Allele origin: germline.
Comment: This variant is classified as likely benign based on ACMG/AMP sequence variant interpretation guidelines (Richards et al. 2015 PMID: 25741868, with internal and published modifications).

NM_020340.5(ARFGEF3):c.4097-8G>A

Gene: ARFGEF3 (ARFGEF family member 3; plus strand). Cytogenetic location: 6q24.1.
Variant type: single nucleotide variant.
Coding change: c.4097-8G>A on transcript NM_020340.5 (MANE Select); 8 bases into the intron before coding-DNA position 4097, G replaced by A.
Molecular consequence: intron variant.
Genome position (GRCh38, 1-based): chr6:138,311,399, G>A. VCF-style: chr6-138311399-G-A. GRCh37 (hg19) VCF-style: chr6-138632536-G-A.
Identifiers: ClinVar variation 3035038 (VCV003035038.2), dbSNP rs761241178, ClinGen allele CA4021276.